The following is an entry in ClinVar:

ClinVar aggregate classification (germline): Uncertain significance (1 of 4 stars; one submission).

Conditions:
Neuropathy, hereditary sensory and autonomic, type 2A (HSAN2A). Also called: WNK1-Related HSAN2 (HSAN2A); ACROOSTEOLYSIS, GIACCAI TYPE; ACROOSTEOLYSIS, NEUROGENIC; NEUROPATHY, CONGENITAL SENSORY; NEUROPATHY, HEREDITARY SENSORY RADICULAR, AUTOSOMAL RECESSIVE; NEUROPATHY, HEREDITARY SENSORY, TYPE IIA. Identifiers: Orphanet 970, MedGen C2752089, MONDO:0024309, OMIM 201300.
Generalized epilepsy with febrile seizures plus, type 7 (GEFSP7). Also called: GEFS+, TYPE 7. Identifiers: Orphanet 36387, MedGen C2751778, MONDO:0013470, OMIM 613863.

Allele frequency attached by ClinVar (database versions not stated): gnomAD exomes below 0.00001; ExAC 0.00001.

Submission:

Labcorp Genetics (formerly Invitae), Labcorp
Classification: Uncertain significance for Neuropathy, hereditary sensory and autonomic, type 2A; Generalized epilepsy with febrile seizures plus, type 7. Last evaluated: 2022-09-02. Review status: criteria provided, single submitter. Criteria: Invitae Variant Classification Sherloc (09022015). Collection method: clinical testing. Allele origin: germline.
Comment: This variant is present in population databases (rs781223783, gnomAD 0.0009%). This sequence change replaces methionine, which is neutral and non-polar, with threonine, which is neutral and polar, at codon 1060 of the SCN9A protein (p.Met1060Thr). In summary, the available evidence is currently insufficient to determine the role of this variant in disease. Therefore, it has been classified as a Variant of Uncertain Significance. Algorithms developed to predict the effect of missense changes on protein structure and function output the following: SIFT: "Tolerated"; PolyPhen-2: "Benign"; Align-GVGD: "Class C0". The threonine amino acid residue is found in multiple mammalian species, which suggests that this missense change does not adversely affect protein function. This variant has not been reported in the literature in individuals affected with SCN9A-related conditions.

NM_001365536.1(SCN9A):c.3212T>C (p.Met1071Thr)

Genes: SCN9A (sodium voltage-gated channel alpha subunit 9; minus strand), SCN1A-AS1 (SCN1A and SCN9A antisense RNA 1; plus strand). Cytogenetic location: 2q24.3.
Variant type: single nucleotide variant.
Coding change: c.3212T>C on transcript NM_001365536.1 (MANE Select); coding-DNA position 3212, T replaced by C.
Protein change: p.Met1071Thr; replaces methionine 1071 with threonine.
Molecular consequence: missense variant.
Genome position (GRCh38, 1-based): chr2:166,272,538, A>G on the plus strand (T>C on the coding strand, the complement: SCN9A is on the minus strand). VCF-style: chr2-166272538-A-G. GRCh37 (hg19) VCF-style: chr2-167129048-A-G.
Other names: c.3179T>C, p.Met1060Thr (NM_002977.4); short protein forms M1060T, M1071T.
Identifiers: ClinVar variation 2070783 (VCV002070783.4), dbSNP rs781223783, ClinGen allele CA1944122.
Genomic context (GRCh38, chr2:166,272,538, plus strand): 5'-ATTGGCACTGTCACTGTGAGGCTGGGATTGTGAATAAATGATTGACCATCACTGTCTTCC[A>G]TCAAGTGTTTGTCCACGCTGCTTCCAAAACCACTGATTTTATCTTTTTCCTTGAGGAAAT-3'
Protein context (NP_001352465.1, residues 1061-1081): GFGSSVDKHL[Met1071Thr]EDSDGQSFIH